The following is an entry in ClinVar:

ClinVar aggregate classification (germline): Benign/Likely benign. Review status: criteria provided, multiple submitters, no conflicts (2 of 4 stars). 10 submissions from 10 submitters: Benign (6); Likely benign (4). Last evaluated 2026-06-01.

Conditions:
Cardiovascular phenotype. Identifiers: MedGen CN230736.
Familial hypercholesterolemia. Also called: Familial hypercholesterolaemia; Familial hypercholesterolemias. Identifiers: MedGen C0020445, MONDO:0005439.
Hypercholesterolemia, autosomal dominant, 3 (FHCL3). Also called: Familial Hypercholesterolemia, Autosomal Dominant, 3; Familial hypercholesterolemia 3; PCSK9-Related Familial Hypercholesterolemia, Autosomal Dominant. Identifiers: MedGen C1863551, MONDO:0011369, OMIM 603776.

Allele frequency attached by ClinVar (database versions not stated): gnomAD exomes 0.00018 and 0.00044; ExAC 0.00056; 1000 Genomes Project 30x 0.00109; 1000 Genomes Project 0.00140; ESP Exome Variant Server 0.00146; gnomAD 0.00174 and 0.00191; TOPMed 0.00198.

Submissions (10):

CeGaT Center for Human Genetics Tuebingen
Classification: Likely benign. Last evaluated: 2026-06-01. Review status: criteria provided, single submitter. Criteria: CeGaT Center For Human Genetics Tuebingen Variant Classification Criteria Version 2. Collection method: clinical testing. Allele origin: germline. Affected: yes. Observed: 1 variant allele.
Comment: PCSK9: BP4, BP7

Labcorp Genetics (formerly Invitae), Labcorp
Classification: Benign for Hypercholesterolemia, autosomal dominant, 3. Last evaluated: 2026-01-07. Review status: criteria provided, single submitter. Criteria: Invitae Variant Classification Sherloc (09022015). Collection method: clinical testing. Allele origin: germline.

Molecular Diagnostic Laboratory for Inherited Cardiovascular Disease, Montreal Heart Institute
Classification: Benign. Last evaluated: 2025-04-09. Review status: criteria provided, single submitter. Criteria: ACMG Guidelines, 2015. Collection method: clinical testing. Allele origin: germline. Affected: no.

GENinCode PLC
Classification: Benign for Familial hypercholesterolemia. Last evaluated: 2024-11-28. Review status: criteria provided, single submitter. Criteria: ACMG Guidelines, 2015. Collection method: clinical testing. Allele origin: germline.
Comment: The PCSK9 c.225T>C p.(Pro75=) variant is a synonymous (silent) variant. The GrpMax filtering allele frequency in gnomAD v4.1.1 is 0.005820 in the African/ African American genetic ancestry group. This is higher than our in-house threshold (0.005 for BA1) and therefore meets this criterion and is classified as Benign.

All of Us Research Program, National Institutes of Health
Classification: Benign for Hypercholesterolemia, autosomal dominant, 3. Last evaluated: 2024-02-05. Review status: criteria provided, single submitter. Criteria: ACMG Guidelines, 2015. Collection method: clinical testing. Allele origin: germline. Inheritance: Autosomal dominant inheritance. Observed: 84 variant alleles, 84 heterozygotes.
Comment: This study involves interpretation of variants in research participants for the purpose of population health screening. Participant phenotype was not available at the time of variant classification. Additional details can be found in publication PMID: 35346344, PMCID: PMC8962531

Blueprint Genetics
Classification: Likely benign. Last evaluated: 2023-11-01. Review status: criteria provided, single submitter. Criteria: ACMG Guidelines, 2015. Collection method: clinical testing. Allele origin: germline.

GeneDx
Classification: Likely benign. Last evaluated: 2021-02-26. Review status: criteria provided, single submitter. Criteria: GeneDx Variant Classification Process June 2021. Collection method: clinical testing. Allele origin: germline. Affected: yes.

Color Diagnostics, LLC DBA Color Health
Classification: Benign for Familial hypercholesterolemias. Last evaluated: 2018-01-22. Review status: criteria provided, single submitter. Criteria: ACMG Guidelines, 2015. Collection method: clinical testing. Allele origin: germline.

Ambry Genetics
Classification: Likely benign for Cardiovascular phenotype. Last evaluated: 2017-03-14. Review status: criteria provided, single submitter. Criteria: Ambry Variant Classification Scheme 2023. Collection method: clinical testing. Allele origin: germline.

Women's Health and Genetics/Laboratory Corporation of America, LabCorp
Classification: Benign. Last evaluated: 2017-02-23. Review status: criteria provided, single submitter. Criteria: LabCorp Variant Classification Summary - May 2015. Collection method: clinical testing. Allele origin: germline.
Comment: Variant summary: The c.225C>T (p.Pro75=) in PCSK9 gene is a synonymous change that involves a non-conserved nucleotide. 5/5 programs in Alamut predict that this variant does not affect a normal splicing, however no functional studies supporting this notion were published at the time of evaluation. The variant is present in control population dataset of ExAC at a frequency of 0.0005568 (67/ 120328 chrs tested), predominantly in individuals of African descent (0.006325; 66/10276 chrs tested). The observed frequencies exceed the estimated maximal expected allele frequency of a pathogenic variant in PCSK9 gene (0.00009). The variant has not, to our knowledge, been reported in affected individuals via published reports or cited by a reputable database/clinical laboratory. Taking together, the variant was classified as Benign.

NM_174936.4(PCSK9):c.225T>C (p.Pro75=)

Gene: PCSK9 (proprotein convertase subtilisin/kexin type 9; plus strand). Cytogenetic location: 1p32.3.
Variant type: single nucleotide variant.
Coding change: c.225T>C on transcript NM_174936.4 (MANE Select); coding-DNA position 225, T replaced by C.
Protein change: p.Pro75=; no amino-acid change (proline 75 retained).
Molecular consequence: synonymous variant.
Genome position (GRCh38, 1-based): chr1:55,043,860, T>C. VCF-style: chr1-55043860-T-C. GRCh37 (hg19) VCF-style: chr1-55509533-T-C.
Identifiers: ClinVar variation 468296 (VCV000468296.24), dbSNP rs146563151, ClinGen allele CA040897.